The following is an entry in ClinVar:

ClinVar aggregate classification (germline): Conflicting classifications of pathogenicity. Review status: criteria provided, conflicting classifications (1 of 4 stars). 5 submissions from 5 submitters: Uncertain significance (4); Likely benign (1). Last evaluated 2025-11-05.

Conditions:
Early-infantile DEE. Also called: Ohtahara syndrome; Early infantile epileptic encephalopathy; Early infantile epileptic encephalopathy with suppression bursts. Identifiers: Orphanet 1934, MedGen C0393706, MONDO:0800491.
Inborn genetic diseases. Identifiers: MedGen C0950123, MeSH D030342.
Severe myoclonic epilepsy in infancy (DRVT). Also called: DEVELOPMENTAL AND EPILEPTIC ENCEPHALOPATHY 6A; Severe Myoclonic Epilepsy in Infancy (SMEI); Epileptic encephalopathy, early infantile, 6 (Dravet syndrome); SEVERE MYOCLONIC EPILEPSY OF INFANCY; Dravet syndrome. Identifiers: Orphanet 33069, MedGen C0751122, MONDO:0100135, OMIM 607208.

Allele frequency attached by ClinVar (database versions not stated): ExAC below 0.00001; gnomAD 0.00001; gnomAD exomes 0.00001 and 0.00002; TOPMed 0.00001.
gnomAD v4.1: 6 of 1,613,258 alleles (0.00037%); highest among the groups gnomAD compares: Admixed American, 0.01%; no homozygotes.

Submissions (5):

Labcorp Genetics (formerly Invitae), Labcorp
Classification: Uncertain significance for Early-infantile DEE. Last evaluated: 2025-11-05. Review status: criteria provided, single submitter. Criteria: Invitae Variant Classification Sherloc (09022015). Collection method: clinical testing. Allele origin: germline.
Comment: This sequence change replaces glutamic acid, which is acidic and polar, with glycine, which is neutral and non-polar, at codon 1971 of the SCN1A protein (p.Glu1971Gly). This variant is present in population databases (rs771936735, gnomAD 0.01%). This variant has not been reported in the literature in individuals affected with SCN1A-related conditions. ClinVar contains an entry for this variant (Variation ID: 206885). Invitae Evidence Modeling of protein sequence and biophysical properties (such as structural, functional, and spatial information, amino acid conservation, physicochemical variation, residue mobility, and thermodynamic stability) indicates that this missense variant is expected to disrupt SCN1A protein function with a positive predictive value of 95%. In summary, the available evidence is currently insufficient to determine the role of this variant in disease. Therefore, it has been classified as a Variant of Uncertain Significance.

Mayo Clinic Laboratories, Mayo Clinic
Classification: Uncertain significance. Last evaluated: 2025-09-18. Review status: criteria provided, single submitter. Criteria: ACMG Guidelines, 2015. Collection method: clinical testing. Allele origin: germline. Observed: 1 variant allele.
Comment: BS1, PP3

GeneDx
Classification: Uncertain significance. Last evaluated: 2022-06-01. Review status: criteria provided, single submitter. Criteria: GeneDx Variant Classification Process June 2021. Collection method: clinical testing. Allele origin: germline. Affected: yes.
Comment: Missense variants in this gene are often considered pathogenic (HGMD); In silico analysis supports that this missense variant has a deleterious effect on protein structure/function; Has not been previously reported as pathogenic or benign to our knowledge; This substitution is predicted to be within the C-terminal cytoplasmic domain

Ambry Genetics
Classification: Likely benign for Inborn genetic diseases. Last evaluated: 2021-03-17. Review status: criteria provided, single submitter. Criteria: Ambry Variant Classification Scheme 2023. Collection method: clinical testing. Allele origin: germline.

Baylor Genetics
Classification: Uncertain significance for Severe myoclonic epilepsy in infancy. Last evaluated: 2018-04-30. Review status: criteria provided, single submitter. Criteria: ACMG Guidelines, 2015. Collection method: clinical testing. Allele origin: maternal. Affected: yes.
Comment: This variant was determined to be of uncertain significance according to ACMG Guidelines, 2015 [PMID:25741868].

Literature cited by the submitters: PubMed 28518168 (cited by Ambry Genetics); PubMed 32461654 (cited by Ambry Genetics).

NM_001165963.4(SCN1A):c.5912A>G (p.Glu1971Gly)

Genes: SCN1A (sodium voltage-gated channel alpha subunit 1; minus strand), LOC102724058 (uncharacterized LOC102724058; plus strand). Cytogenetic location: 2q24.3.
Variant type: single nucleotide variant.
Coding change: c.5912A>G on transcript NM_001165963.4 (MANE Select); coding-DNA position 5912, A replaced by G.
Protein change: p.Glu1971Gly; replaces glutamic acid 1971 with glycine.
Molecular consequence: missense variant. On other transcripts: non-coding transcript variant (1).
Genome position (GRCh38, 1-based): chr2:165,991,363, T>C on the plus strand (A>G on the coding strand, the complement: SCN1A is on the minus strand). VCF-style: chr2-165991363-T-C. GRCh37 (hg19) VCF-style: chr2-166847873-T-C.
Other names: p.E1971G:GAA>GGA; p.Glu1971Gly; c.5912A>G (NM_001165963.3); c.5828A>G, p.Glu1943Gly (NM_001165964.3, NM_001353957.2, NM_001353958.2); c.5912A>G, p.Glu1971Gly (NM_001202435.3, NM_001353948.2); c.5879A>G, p.Glu1960Gly (NM_001353949.2, NM_001353950.2, NM_001353951.2 and 2 more transcripts); c.5876A>G, p.Glu1959Gly (NM_001353954.2, NM_001353955.2); c.5825A>G, p.Glu1942Gly (NM_001353960.2); and 1 more; short protein forms E1960G, E1971G, E1157G, E1943G, E1959G, E1942G.
Identifiers: ClinVar variation 206885 (VCV000206885.11), dbSNP rs771936735, ClinGen allele CA317682.